The following is an entry in ClinVar:

NM_020338.4(ZMIZ1):c.2956C>A (p.Pro986Thr)

Gene: ZMIZ1 (zinc finger MIZ-type containing 1; plus strand). Cytogenetic location: 10q22.3.
Variant type: single nucleotide variant.
Coding change: c.2956C>A on transcript NM_020338.4 (MANE Select); coding-DNA position 2956, C replaced by A.
Protein change: p.Pro986Thr; replaces proline 986 with threonine.
Molecular consequence: missense variant.
Genome position (GRCh38, 1-based): chr10:79,311,044, C>A. VCF-style: chr10-79311044-C-A. GRCh37 (hg19) VCF-style: chr10-81070801-C-A.
Other names: short protein forms P986T.
Identifiers: ClinVar variation 2869919 (VCV002869919.3), dbSNP rs996659155, ClinGen allele CA210224750.

ClinVar aggregate classification (germline): Uncertain significance (1 of 4 stars; one submission).

Allele frequency attached by ClinVar (database versions not stated): TOPMed 0.00001.

Submission:

Labcorp Genetics (formerly Invitae), Labcorp
Classification: Uncertain significance. Last evaluated: 2023-04-26. Review status: criteria provided, single submitter. Criteria: Invitae Variant Classification Sherloc (09022015). Collection method: clinical testing. Allele origin: germline.
Comment: In summary, the available evidence is currently insufficient to determine the role of this variant in disease. Therefore, it has been classified as a Variant of Uncertain Significance. An algorithm developed to predict the effect of missense changes on protein structure and function (PolyPhen-2) suggests that this variant is likely to be tolerated. This variant has not been reported in the literature in individuals affected with ZMIZ1-related conditions. This variant is not present in population databases (gnomAD no frequency). This sequence change replaces proline, which is neutral and non-polar, with threonine, which is neutral and polar, at codon 986 of the ZMIZ1 protein (p.Pro986Thr).